The following is an entry in ClinVar:

NM_000390.4(CHM):c.370C>A (p.Leu124Ile)

Genes: CHM (CHM Rab escort protein; minus strand), LOC129391306 (MPRA-validated peak7401 silencer; plus strand). Cytogenetic location: Xq21.2.
Variant type: single nucleotide variant.
Coding change: c.370C>A on transcript NM_000390.4 (MANE Select); coding-DNA position 370, C replaced by A.
Protein change: p.Leu124Ile; replaces leucine 124 with isoleucine.
Molecular consequence: missense variant. On other transcripts: 5 prime UTR variant (4).
Genome position (GRCh38, 1-based): chrX:85,963,997, G>T on the plus strand (C>A on the coding strand, the complement: CHM is on the minus strand). VCF-style: chrX-85963997-G-T. GRCh37 (hg19) VCF-style: chrX-85219002-G-T.
Other names: c.-75C>A (NM_001320959.1, NM_001362517.1, NM_001362518.2 and 1 more transcripts); short protein forms L124I.
Identifiers: ClinVar variation 1482014 (VCV001482014.6), dbSNP rs765359472, ClinGen allele CA413787332.

ClinVar aggregate classification (germline): Uncertain significance (1 of 4 stars; one submission).

Submission:

Labcorp Genetics (formerly Invitae), Labcorp
Classification: Uncertain significance. Last evaluated: 2021-10-15. Review status: criteria provided, single submitter. Criteria: Invitae Variant Classification Sherloc (09022015). Collection method: clinical testing. Allele origin: germline.
Comment: This variant is not present in population databases (ExAC no frequency). This sequence change replaces leucine with isoleucine at codon 124 of the CHM protein (p.Leu124Ile). The leucine residue is weakly conserved and there is a small physicochemical difference between leucine and isoleucine. This variant has not been reported in the literature in individuals affected with CHM-related conditions. In summary, the available evidence is currently insufficient to determine the role of this variant in disease. Therefore, it has been classified as a Variant of Uncertain Significance. Algorithms developed to predict the effect of missense changes on protein structure and function (SIFT, PolyPhen-2, Align-GVGD) all suggest that this variant is likely to be tolerated.